The following is an entry in ClinVar:

NM_182641.4(BPTF):c.4749C>T (p.Thr1583=)

Gene: BPTF (bromodomain PHD finger transcription factor; plus strand). Cytogenetic location: 17q24.2.
Variant type: single nucleotide variant.
Coding change: c.4749C>T on transcript NM_182641.4 (MANE Select); coding-DNA position 4749, C replaced by T.
Protein change: p.Thr1583=; no amino-acid change (threonine 1583 retained).
Molecular consequence: synonymous variant.
Genome position (GRCh38, 1-based): chr17:67,912,633, C>T. VCF-style: chr17-67912633-C-T. GRCh37 (hg19) VCF-style: chr17-65908749-C-T.
Other names: c.5127C>T, p.Thr1709= (NM_004459.7); c.4749C>T (NM_182641.3).
Identifiers: ClinVar variation 2070027 (VCV002070027.23), dbSNP rs202094354, ClinGen allele CA8725855.

ClinVar aggregate classification (germline): Benign/Likely benign. Review status: criteria provided, multiple submitters, no conflicts (2 of 4 stars). 4 submissions from 4 submitters: Benign (1); Likely benign (3). Last evaluated 2026-06-09.

Conditions:
BPTF-related disorder. Also called: BPTF-related condition.

Allele frequency attached by ClinVar (database versions not stated): ESP Exome Variant Server 0.00008; ExAC 0.00028; 1000 Genomes Project 30x 0.00031; 1000 Genomes Project 0.00040.
gnomAD v4.1: 186 of 1,613,090 alleles (0.012%); highest among the groups gnomAD compares: Middle Eastern, 0.083%; no homozygotes.

Submissions (4):

PreventionGenetics, part of Exact Sciences
Classification: Likely benign for BPTF-related condition. Last evaluated: 2026-06-09. Review status: criteria provided, single submitter. Criteria: ACMG Guidelines, 2015. Collection method: clinical testing. Allele origin: germline.
Comment: This variant is classified as likely benign based on ACMG/AMP sequence variant interpretation guidelines (Richards et al. 2015 PMID: 25741868, with internal and published modifications).

Blueprint Genetics
Classification: Likely benign. Last evaluated: 2024-08-20. Review status: criteria provided, single submitter. Criteria: ACMG Guidelines, 2015. Collection method: clinical testing. Allele origin: germline.

Labcorp Genetics (formerly Invitae), Labcorp
Classification: Benign. Last evaluated: 2024-08-13. Review status: criteria provided, single submitter. Criteria: Invitae Variant Classification Sherloc (09022015). Collection method: clinical testing. Allele origin: germline.

CeGaT Center for Human Genetics Tuebingen
Classification: Likely benign. Last evaluated: 2024-07-01. Review status: criteria provided, single submitter. Criteria: CeGaT Center For Human Genetics Tuebingen Variant Classification Criteria Version 2. Collection method: clinical testing. Allele origin: germline. Affected: yes. Observed: 1 variant allele.
Comment: BPTF: BP4, BP7